The following is an entry in ClinVar:

ClinVar aggregate classification (germline): Likely pathogenic. Review status: criteria provided, multiple submitters, no conflicts (2 of 4 stars). 2 submissions from 2 submitters: Likely pathogenic (2). Last evaluated 2026-01-21.

Conditions:
Septo-optic dysplasia sequence (SOD). Also called: DE MORSIER SYNDROME; Septo-optic dysplasia. Identifiers: Orphanet 3157, MedGen C0338503, MONDO:0008428, OMIM 182230, HP:0100842.

Submissions (2):

Dasa
Classification: Likely pathogenic. Last evaluated: 2026-01-21. Review status: criteria provided, single submitter. Criteria: DASA Assertion Criteria. Collection method: clinical testing. Allele origin: germline.
Comment: NM_003865.3(HESX1):c.48del (p.Ser17Glnfs*11) is a frameshift variant in HESX1 predicted to alter the reading frame and introduce a premature termination codon and is predicted to result in an absent or altered protein product. Loss of function is an established disease mechanism for HESX1-associated disorders. Also, this variant is rare in population databases. Based on the currently available evidence, this variant is classified as likely pathogenic.

Laboratorio de Biologia Molecular/Medicina Genomica - IFF/Fiocruz, Instituto Fernandes Figueira, Fundacao Oswaldo Cruz
Classification: Likely pathogenic for Septooptic dysplasia. Last evaluated: 2025-07-11. Review status: criteria provided, single submitter. Criteria: ACMG Guidelines, 2015. Collection method: clinical testing. Allele origin: germline. Affected: yes. Observed: 1 variant allele.
Comment: Variant: c.48del (p.Ser17GlnfsTer11) in exon 1 of the HESX1 gene. Protein effect: Frameshift variant predicted to result in nonsense-mediated mRNA decay (NMD) in a gene where loss of function is a known disease mechanism. Population/literature data: Absent in population databases (gnomAD) and not previously reported in the literature. ACMG/AMP criteria applied: PVS1, PM2_Supporting, following ClinGen SVI recommendations.

NM_003865.3(HESX1):c.48del (p.Ser17fs)

Gene: HESX1 (HESX homeobox 1; minus strand). Cytogenetic location: 3p14.3.
Variant type: Deletion.
Coding change: c.48del on transcript NM_003865.3 (MANE Select); coding-DNA position 48, one base deleted (C; older notation c.48delC).
Protein change: p.Ser17fs; shifts the reading frame from serine 17.
Molecular consequence: frameshift variant.
Genome position (GRCh38, 1-based): chr3:57,199,871, G deleted on the plus strand (C on the coding strand, the reverse complement: HESX1 is on the minus strand); the first of 3 consecutive G bases (chr3:57,199,871-57,199,873); deleting any one gives the same sequence. VCF-style (leftmost placement, unchanged base first): chr3-57199870-AG-A. GRCh37 (hg19) VCF-style: chr3-57233898-AG-A.
Other names: c.48del, p.Ser17fs (NM_001376058.1, NM_001376059.1, NM_001376060.1 and 1 more transcripts); short protein forms S17fs.
Identifiers: ClinVar variation 4294353 (VCV004294353.3).
Genomic context (GRCh38, chr3:57,199,870, plus strand): 5'-GAACACAGTCTTTCTTCTGGTCCAGTCCTAAGATTCTCTCAATTGAAAAGGAGCAAGTTG[AG>A]GGTTTGTTTTCCCCGAGCTGAGCGCCTTCCTGAAGGCTGGGAGACATCCTCTCGTGGTCT-3'